The following is an entry in ClinVar:

NM_004380.3(CREBBP):c.2031C>T (p.Gly677=)

Gene: CREBBP (CREB binding lysine acetyltransferase; minus strand). Cytogenetic location: 16p13.3.
Variant type: single nucleotide variant.
Coding change: c.2031C>T on transcript NM_004380.3 (MANE Select); coding-DNA position 2031, C replaced by T.
Protein change: p.Gly677=; no amino-acid change (glycine 677 retained).
Molecular consequence: synonymous variant.
Genome position (GRCh38, 1-based): chr16:3,778,093, G>A on the plus strand (C>T on the coding strand, the complement: CREBBP is on the minus strand). VCF-style: chr16-3778093-G-A. GRCh37 (hg19) VCF-style: chr16-3828094-G-A.
Other names: c.1917C>T, p.Gly639= (NM_001079846.1).
Identifiers: ClinVar variation 2827311 (VCV002827311.3), dbSNP rs2141233641, ClinGen allele CA493276296.

ClinVar aggregate classification (germline): Uncertain significance (1 of 4 stars; one submission).

Conditions:
Rubinstein-Taybi syndrome (RSTS). Identifiers: Orphanet 783, MedGen C0035934, MONDO:0019188.

Submission:

Labcorp Genetics (formerly Invitae), Labcorp
Classification: Uncertain significance for Rubinstein-Taybi syndrome. Last evaluated: 2023-01-09. Review status: criteria provided, single submitter. Criteria: Invitae Variant Classification Sherloc (09022015). Collection method: clinical testing. Allele origin: germline.
Comment: In summary, the available evidence is currently insufficient to determine the role of this variant in disease. Therefore, it has been classified as a Variant of Uncertain Significance. Algorithms developed to predict the effect of sequence changes on RNA splicing suggest that this variant may create or strengthen a splice site. This variant has not been reported in the literature in individuals affected with CREBBP-related conditions. This variant is not present in population databases (gnomAD no frequency). This sequence change affects codon 677 of the CREBBP mRNA. It is a 'silent' change, meaning that it does not change the encoded amino acid sequence of the CREBBP protein.